The following is an entry in ClinVar:

NM_000059.4(BRCA2):c.8257C>G (p.Leu2753Val)

Gene: BRCA2 (BRCA2 DNA repair associated; plus strand). Cytogenetic location: 13q13.1.
Variant type: single nucleotide variant.
Coding change: c.8257C>G on transcript NM_000059.4 (MANE Select); coding-DNA position 8257, C replaced by G.
Protein change: p.Leu2753Val; replaces leucine 2753 with valine.
Molecular consequence: missense variant. On other transcripts: non-coding transcript variant (1).
Genome position (GRCh38, 1-based): chr13:32,363,459, C>G. VCF-style: chr13-32363459-C-G. GRCh37 (hg19) VCF-style: chr13-32937596-C-G.
Other names: c.8161C>G, p.Leu2721Val (NM_001406719.1); c.8257C>G, p.Leu2753Val (NM_001406720.1, NM_001432077.1); c.3325C>G, p.Leu1109Val (NM_001406721.1); c.1840C>G, p.Leu614Val (NM_001406722.1); short protein forms L614V, L1109V, L2721V, L2753V.
Identifiers: ClinVar variation 3825399 (VCV003825399.1).

ClinVar aggregate classification (germline): Uncertain significance (1 of 4 stars; one submission).

Conditions:
Hereditary cancer-predisposing syndrome. Also called: Hereditary neoplastic syndrome; Neoplastic Syndromes, Hereditary; Tumor predisposition; Hereditary Cancer Syndrome. Identifiers: Orphanet 140162, MedGen C0027672, MeSH D009386, MONDO:0015356.

Submission:

Ambry Genetics
Classification: Uncertain significance for Hereditary cancer-predisposing syndrome. Last evaluated: 2024-12-19. Review status: criteria provided, single submitter. Criteria: Ambry Variant Classification Scheme 2023. Collection method: clinical testing. Allele origin: germline.
Comment: The p.L2753V variant (also known as c.8257C>G), located in coding exon 17 of the BRCA2 gene, results from a C to G substitution at nucleotide position 8257. The leucine at codon 2753 is replaced by valine, an amino acid with highly similar properties. This amino acid position is conserved. In addition, this alteration is predicted to be tolerated by in silico analysis. Based on the available evidence, the clinical significance of this variant remains unclear.